The following is an entry in ClinVar:

ClinVar aggregate classification (germline): Benign/Likely benign. Review status: criteria provided, multiple submitters, no conflicts (2 of 4 stars). 3 submissions from 3 submitters: Benign (1); Likely benign (1). 1 of the submissions does not count toward it. Last evaluated 2026-02-01.

Conditions:
PCNT-related disorder. Also called: PCNT-related condition.

Allele frequency attached by ClinVar (database versions not stated): gnomAD 0.00009 and 0.00010; TOPMed 0.00013; 1000 Genomes Project 30x 0.00016; 1000 Genomes Project 0.00020.
gnomAD v4.1: 192 of 1,614,200 alleles (0.012%); highest among the groups gnomAD compares: Admixed American, 0.31%; 3 homozygotes.

Submissions (3):

Labcorp Genetics (formerly Invitae), Labcorp
Classification: Benign. Last evaluated: 2026-02-01. Review status: criteria provided, single submitter. Criteria: Invitae Variant Classification Sherloc (09022015). Collection method: clinical testing. Allele origin: germline.

Genetic Services Laboratory, University of Chicago
Classification: Likely benign. Last evaluated: 2016-10-13. Review status: criteria provided, single submitter. Criteria: ACMG Guidelines, 2015. Collection method: clinical testing. Allele origin: germline. Affected: no.

PreventionGenetics, part of Exact Sciences
Classification: Likely benign for PCNT-related condition. Last evaluated: 2021-05-19. Review status: no assertion criteria provided. Collection method: clinical testing. Allele origin: germline. Not counted in ClinVar's aggregate classification.
Comment: This variant is classified as likely benign based on ACMG/AMP sequence variant interpretation guidelines (Richards et al. 2015 PMID: 25741868, with internal and published modifications).

NM_006031.6(PCNT):c.3403C>A (p.Arg1135=)

Gene: PCNT (pericentrin; plus strand). Cytogenetic location: 21q22.3.
Variant type: single nucleotide variant.
Coding change: c.3403C>A on transcript NM_006031.6 (MANE Select); coding-DNA position 3403, C replaced by A.
Protein change: p.Arg1135=; no amino-acid change (arginine 1135 retained).
Molecular consequence: synonymous variant.
Genome position (GRCh38, 1-based): chr21:46,385,922, C>A. VCF-style: chr21-46385922-C-A. GRCh37 (hg19) VCF-style: chr21-47805837-C-A.
Other names: c.3049C>A, p.Arg1017= (NM_001315529.2).
Identifiers: ClinVar variation 211853 (VCV000211853.16), dbSNP rs143490174, ClinGen allele CA208492.